The following is an entry in ClinVar:

ClinVar aggregate classification (germline): Uncertain significance (1 of 4 stars; one submission).

Conditions:
Hereditary cancer-predisposing syndrome. Also called: Neoplastic Syndromes, Hereditary; Tumor predisposition; Hereditary neoplastic syndrome; Hereditary Cancer Syndrome. Identifiers: Orphanet 140162, MedGen C0027672, MeSH D009386, MONDO:0015356.

Submission:

Ambry Genetics
Classification: Uncertain significance for Hereditary cancer-predisposing syndrome. Last evaluated: 2023-01-23. Review status: criteria provided, single submitter. Criteria: Ambry Variant Classification Scheme 2023. Collection method: clinical testing. Allele origin: germline.
Comment: The c.579G>A variant (also known as p.L193L), located in coding exon 6 of the FANCC gene, results from a G to A substitution at nucleotide position 579. This nucleotide substitution does not change the at codon 193. This nucleotide position is not well conserved in available vertebrate species. In silico splice site analysis for this alteration is inconclusive. Since supporting evidence is limited at this time, the clinical significance of this alteration remains unclear.

NM_000136.3(FANCC):c.579G>A (p.Leu193=)

Genes: AOPEP (aminopeptidase O (putative); plus strand), FANCC (FA complementation group C; minus strand). Cytogenetic location: 9q22.32.
Variant type: single nucleotide variant.
Coding change: c.579G>A on transcript NM_000136.3 (MANE Select); coding-DNA position 579, G replaced by A.
Protein change: p.Leu193=; no amino-acid change (leucine 193 retained).
Molecular consequence: synonymous variant.
Genome position (GRCh38, 1-based): chr9:95,150,030, C>T on the plus strand (G>A on the coding strand, the complement: FANCC is on the minus strand). VCF-style: chr9-95150030-C-T. GRCh37 (hg19) VCF-style: chr9-97912312-C-T.
Other names: c.579G>A, p.Leu193= (NM_001243743.2, NM_001243744.2).
Identifiers: ClinVar variation 2450933 (VCV002450933.2), dbSNP rs2541700397, ClinGen allele CA466103247.